The following is an entry in ClinVar:

ClinVar aggregate classification (germline): Uncertain significance. Review status: criteria provided, multiple submitters, no conflicts (2 of 4 stars). 3 submissions from 3 submitters: Uncertain significance (3). Last evaluated 2026-05-18.

Conditions:
TUB-related disorder. Also called: TUB-related condition.

Allele frequency attached by ClinVar (database versions not stated): gnomAD 0.00001; TOPMed 0.00002; gnomAD exomes 0.00003 and 0.00007; ESP Exome Variant Server 0.00008; ExAC 0.00013.
gnomAD v4.1: 41 of 1,613,356 alleles (0.0025%); highest among the groups gnomAD compares: Middle Eastern, 0.016%; no homozygotes.

Submissions (3):

PreventionGenetics, part of Exact Sciences
Classification: Uncertain significance for TUB-related condition. Last evaluated: 2026-05-18. Review status: criteria provided, single submitter. Criteria: ACMG Guidelines, 2015. Collection method: clinical testing. Allele origin: germline.
Comment: The TUB c.340C>T variant is predicted to result in the amino acid substitution p.Arg114Trp. To our knowledge, this variant has not been reported in the literature. This variant is reported in 0.015% of alleles in individuals of European (Non-Finnish) descent in gnomAD. At this time, the clinical significance of this variant is uncertain due to the absence of conclusive functional and genetic evidence.

Labcorp Genetics (formerly Invitae), Labcorp
Classification: Uncertain significance. Last evaluated: 2025-04-28. Review status: criteria provided, single submitter. Criteria: Invitae Variant Classification Sherloc (09022015). Collection method: clinical testing. Allele origin: germline.
Comment: This sequence change replaces arginine, which is basic and polar, with tryptophan, which is neutral and slightly polar, at codon 114 of the TUB protein (p.Arg114Trp). This variant is present in population databases (rs150642290, gnomAD 0.01%). This variant has not been reported in the literature in individuals affected with TUB-related conditions. ClinVar contains an entry for this variant (Variation ID: 1057597). An algorithm developed to predict the effect of missense changes on protein structure and function (PolyPhen-2) suggests that this variant is likely to be disruptive. In summary, the available evidence is currently insufficient to determine the role of this variant in disease. Therefore, it has been classified as a Variant of Uncertain Significance.

Blueprint Genetics
Classification: Uncertain significance. Last evaluated: 2024-03-07. Review status: criteria provided, single submitter. Criteria: ACMG Guidelines, 2015. Collection method: clinical testing. Allele origin: germline.

NM_177972.3(TUB):c.175C>T (p.Arg59Trp)

Gene: TUB (TUB bipartite transcription factor; plus strand). Cytogenetic location: 11p15.4.
Variant type: single nucleotide variant.
Coding change: c.175C>T on transcript NM_177972.3 (MANE Select); coding-DNA position 175, C replaced by T.
Protein change: p.Arg59Trp; replaces arginine 59 with tryptophan.
Molecular consequence: missense variant.
Genome position (GRCh38, 1-based): chr11:8,090,153, C>T. VCF-style: chr11-8090153-C-T. GRCh37 (hg19) VCF-style: chr11-8111700-C-T.
Other names: c.340C>T (NM_003320.4); c.340C>T, p.Arg114Trp (NM_003320.5); short protein forms R114W, R59W.
Identifiers: ClinVar variation 1057597 (VCV001057597.8), dbSNP rs150642290, ClinGen allele CA5870983.
Genomic context (GRCh38, chr11:8,090,153, plus strand): 5'-AAGAAGAAGCGCCAGGAGCCCCTGATGGTGCAGGCCAATGCAGATGGGCGGCCCCGGAGC[C>T]GGCGGGCCCGGCAGTCAGAGGAACAAGCCCCCCTGGTGGAGTCCTACCTCAGCAGCAGTG-3'
Protein context (NP_813977.1, residues 49-69): QANADGRPRS[Arg59Trp]RARQSEEQAP